The following is an entry in ClinVar:

ClinVar aggregate classification (germline): Uncertain significance. Review status: criteria provided, multiple submitters, no conflicts (2 of 4 stars). 2 submissions from 2 submitters: Uncertain significance (2). Last evaluated 2025-08-26.

Conditions:
Hereditary pancreatitis (PCTT). Also called: Hereditary chronic pancreatitis; PRSS1-Related Hereditary Pancreatitis. Identifiers: Orphanet 676, MedGen C0238339, MONDO:0008185, OMIM 167800.

Allele frequency attached by ClinVar (database versions not stated): gnomAD 0.00001; TOPMed 0.00001; ESP Exome Variant Server 0.00015.
gnomAD v4.1: 2 of 1,614,096 alleles (0.00012%); highest among the groups gnomAD compares: Non-Finnish European, 0.00017%; no homozygotes.

Submissions (2):

Ambry Genetics
Classification: Uncertain significance for Hereditary pancreatitis. Last evaluated: 2025-08-26. Review status: criteria provided, single submitter. Criteria: Ambry Variant Classification Scheme 2023. Collection method: clinical testing. Allele origin: germline.

Labcorp Genetics (formerly Invitae), Labcorp
Classification: Uncertain significance for Hereditary pancreatitis. Last evaluated: 2024-09-08. Review status: criteria provided, single submitter. Criteria: Invitae Variant Classification Sherloc (09022015). Collection method: clinical testing. Allele origin: germline.
Comment: This sequence change replaces aspartic acid, which is acidic and polar, with glutamic acid, which is acidic and polar, at codon 135 of the CTRC protein (p.Asp135Glu). This variant is present in population databases (rs147803387, gnomAD 0.007%). This variant has not been reported in the literature in individuals affected with CTRC-related conditions. ClinVar contains an entry for this variant (Variation ID: 1966282). Invitae Evidence Modeling of protein sequence and biophysical properties (such as structural, functional, and spatial information, amino acid conservation, physicochemical variation, residue mobility, and thermodynamic stability) indicates that this missense variant is not expected to disrupt CTRC protein function with a negative predictive value of 80%. In summary, the available evidence is currently insufficient to determine the role of this variant in disease. Therefore, it has been classified as a Variant of Uncertain Significance.

NM_007272.3(CTRC):c.405C>G (p.Asp135Glu)

Gene: CTRC (chymotrypsin C; plus strand). Cytogenetic location: 1p36.21.
Variant type: single nucleotide variant.
Coding change: c.405C>G on transcript NM_007272.3 (MANE Select); coding-DNA position 405, C replaced by G.
Protein change: p.Asp135Glu; replaces aspartic acid 135 with glutamic acid.
Molecular consequence: missense variant.
Genome position (GRCh38, 1-based): chr1:15,443,467, C>G. VCF-style: chr1-15443467-C-G. GRCh37 (hg19) VCF-style: chr1-15769962-C-G.
Other names: c.405C>G (NM_007272.2); short protein forms D135E.
Identifiers: ClinVar variation 1966282 (VCV001966282.7), dbSNP rs147803387, ClinGen allele CA18252379.